The following is an entry in ClinVar:

ClinVar aggregate classification (germline): Likely benign (1 of 4 stars; one submission).

gnomAD v4.1: 1 of 1,614,084 alleles (0.000062%); highest among the groups gnomAD compares: South Asian, 0.0011%; no homozygotes.

Submission:

CeGaT Center for Human Genetics Tuebingen
Classification: Likely benign. Last evaluated: 2025-08-01. Review status: criteria provided, single submitter. Criteria: CeGaT Center For Human Genetics Tuebingen Variant Classification Criteria Version 2. Collection method: clinical testing. Allele origin: germline. Affected: yes. Observed: 1 variant allele.
Comment: TRIM28: BP4, BP7

NM_005762.3(TRIM28):c.933T>C (p.Arg311=)

Gene: TRIM28 (tripartite motif containing 28; plus strand). Cytogenetic location: 19q13.43.
Variant type: single nucleotide variant.
Coding change: c.933T>C on transcript NM_005762.3 (MANE Select); coding-DNA position 933, T replaced by C.
Protein change: p.Arg311=; no amino-acid change (arginine 311 retained).
Molecular consequence: synonymous variant.
Genome position (GRCh38, 1-based): chr19:58,547,885, T>C. VCF-style: chr19-58547885-T-C. GRCh37 (hg19) VCF-style: chr19-59059252-T-C.
Identifiers: ClinVar variation 4085795 (VCV004085795.8).